The following is an entry in ClinVar:

NM_000487.6(ARSA):c.878G>T (p.Arg293Leu)

Gene: ARSA (arylsulfatase A; minus strand). Cytogenetic location: 22q13.33.
Variant type: single nucleotide variant.
Coding change: c.878G>T on transcript NM_000487.6 (MANE Select); coding-DNA position 878, G replaced by T.
Protein change: p.Arg293Leu; replaces arginine 293 with leucine.
Molecular consequence: missense variant.
Genome position (GRCh38, 1-based): chr22:50,626,255, C>A on the plus strand (G>T on the coding strand, the complement: ARSA is on the minus strand). VCF-style: chr22-50626255-C-A. GRCh37 (hg19) VCF-style: chr22-51064683-C-A.
Other names: c.878G>T, p.Arg293Leu (NM_001085425.3, NM_001085426.3, NM_001085427.3); c.620G>T, p.Arg207Leu (NM_001085428.3, NM_001362782.2); short protein forms R207L, R293L.
Identifiers: ClinVar variation 4850946 (VCV004850946.1).

ClinVar aggregate classification (germline): Likely pathogenic (0 of 4 stars; one submission).

Conditions:
Metachromatic leukodystrophy (MLD). Also called: ARSA DEFICIENCY; CEREBROSIDE SULFATASE DEFICIENCY; METACHROMATIC LEUKOENCEPHALOPATHY; SULFATIDE LIPIDOSIS; Cerebral sclerosis diffuse metachromatic form; Arylsulfatase A Deficiency. Identifiers: Orphanet 512, MedGen C0023522, MONDO:0018868, OMIM 250100.

Submission:

Laboratory of Experimental Gene Therapy of Hereditary Metabolic Diseases, Research Centre for Medical Genetics
Classification: Likely pathogenic for Metachromatic leukodystrophy. Last evaluated: 2026-04-08. Review status: no assertion criteria provided. Collection method: clinical testing. Allele origin: germline. Affected: yes. Observed: 1 variant allele.
Comment: PM2, PM1, PP2, PP4